The following is an entry in ClinVar:

ClinVar aggregate classification (germline): Conflicting classifications of pathogenicity. Review status: criteria provided, conflicting classifications (1 of 4 stars). 4 submissions from 4 submitters: Uncertain significance (2); Likely benign (1). 1 of the submissions does not count toward it. Last evaluated 2024-10-25.

Conditions:
Sialuria. Also called: Sialic Acid Storage Disease; SIALURIA, FRENCH TYPE. Identifiers: Orphanet 3166, MedGen C0342853, MONDO:0010028, OMIM 269921.
GNE myopathy (NM). Also called: Inclusion body myopathy autosomal recessive; Inclusion body myopathy quadriceps sparing; IBM 2; MYOPATHY, DISTAL, WITH OR WITHOUT RIMMED VACUOLES; NONAKA DISTAL MYOPATHY; INCLUSION BODY MYOPATHY, HEREDITARY, AUTOSOMAL RECESSIVE. Identifiers: Orphanet 602, MedGen C1853926, MONDO:0011603, OMIM 605820.

Allele frequency attached by ClinVar (database versions not stated): gnomAD 0.00003; TOPMed 0.00005.
gnomAD v4.1: 15 of 1,613,964 alleles (0.00093%); highest among the groups gnomAD compares: African/African-American, 0.011%; 1 homozygote.

Submissions (4):

Blueprint Genetics
Classification: Likely benign. Last evaluated: 2024-10-25. Review status: criteria provided, single submitter. Criteria: ACMG Guidelines, 2015. Collection method: clinical testing. Allele origin: germline.

Labcorp Genetics (formerly Invitae), Labcorp
Classification: Uncertain significance for Sialuria; GNE myopathy. Last evaluated: 2024-10-09. Review status: criteria provided, single submitter. Criteria: Invitae Variant Classification Sherloc (09022015). Collection method: clinical testing. Allele origin: germline.
Comment: This sequence change replaces valine, which is neutral and non-polar, with isoleucine, which is neutral and non-polar, at codon 713 of the GNE protein (p.Val713Ile). This variant is present in population databases (rs768384042, gnomAD 0.007%). This variant has not been reported in the literature in individuals affected with GNE-related conditions. ClinVar contains an entry for this variant (Variation ID: 566086). An algorithm developed to predict the effect of missense changes on protein structure and function outputs the following: PolyPhen-2: "Benign". The isoleucine amino acid residue is found in multiple mammalian species, which suggests that this missense change does not adversely affect protein function. In summary, the available evidence is currently insufficient to determine the role of this variant in disease. Therefore, it has been classified as a Variant of Uncertain Significance.

Fulgent Genetics
Classification: Uncertain significance for Sialuria; GNE myopathy. Last evaluated: 2018-10-31. Review status: criteria provided, single submitter. Criteria: ACMG Guidelines, 2015. Collection method: clinical testing. Allele origin: unknown.

Natera, Inc.
Classification: Uncertain significance for Nonaka myopathy. Last evaluated: 2020-09-28. Review status: no assertion criteria provided. Collection method: clinical testing. Allele origin: germline. Not counted in ClinVar's aggregate classification.

NM_005476.7(GNE):c.2044G>A (p.Val682Ile)

Gene: GNE (glucosamine (UDP-N-acetyl)-2-epimerase/N-acetylmannosamine kinase; minus strand). Cytogenetic location: 9p13.3.
Variant type: single nucleotide variant.
Coding change: c.2044G>A on transcript NM_005476.7 (MANE Select); coding-DNA position 2044, G replaced by A.
Protein change: p.Val682Ile; replaces valine 682 with isoleucine.
Molecular consequence: missense variant.
Genome position (GRCh38, 1-based): chr9:36,217,490, C>T on the plus strand (G>A on the coding strand, the complement: GNE is on the minus strand). VCF-style: chr9-36217490-C-T. GRCh37 (hg19) VCF-style: chr9-36217487-C-T.
Other names: c.2137G>A, p.Val713Ile (NM_001128227.3); c.1822G>A, p.Val608Ile (NM_001190383.3); c.1714G>A, p.Val572Ile (NM_001190384.3); c.1867G>A, p.Val623Ile (NM_001190388.2, NM_001374798.1); c.1891G>A, p.Val631Ile (NM_001374797.1); short protein forms V682I, V713I, V608I, V572I, V631I, V623I.
Identifiers: ClinVar variation 566086 (VCV000566086.7), dbSNP rs768384042, ClinGen allele CA5056365.